The following is an entry in ClinVar:

NM_001232.4(CASQ2):c.1188T>A (p.Asp396Glu)

Gene: CASQ2 (calsequestrin 2; minus strand). Cytogenetic location: 1p13.1.
Variant type: single nucleotide variant.
Coding change: c.1188T>A on transcript NM_001232.4 (MANE Select); coding-DNA position 1188, T replaced by A.
Protein change: p.Asp396Glu; replaces aspartic acid 396 with glutamic acid.
Molecular consequence: missense variant.
Genome position (GRCh38, 1-based): chr1:115,701,253, A>T on the plus strand (T>A on the coding strand, the complement: CASQ2 is on the minus strand). VCF-style: chr1-115701253-A-T. GRCh37 (hg19) VCF-style: chr1-116243874-A-T.
Other names: short protein forms D396E.
Identifiers: ClinVar variation 940147 (VCV000940147.12), dbSNP rs751885773, ClinGen allele CA341766157.

ClinVar aggregate classification (germline): Conflicting classifications of pathogenicity. Review status: criteria provided, conflicting classifications (1 of 4 stars). 2 submissions from 2 submitters: Uncertain significance (1); Likely benign (1). Last evaluated 2025-09-05.

Conditions:
Cardiovascular phenotype. Identifiers: MedGen CN230736.
Catecholaminergic polymorphic ventricular tachycardia 1. Also called: RYR2-Related Catecholaminergic Polymorphic Ventricular Tachycardia; VENTRICULAR TACHYCARDIA, CATECHOLAMINERGIC POLYMORPHIC, 1, WITH OR WITHOUT ATRIAL DYSFUNCTION AND/OR DILATED CARDIOMYOPATHY; VENTRICULAR TACHYCARDIA, STRESS-INDUCED POLYMORPHIC 1. Identifiers: Orphanet 3286, MedGen C1631597, MONDO:0011484, OMIM 604772.

gnomAD v4.1: 12 of 1,605,824 alleles (0.00075%); highest among the groups gnomAD compares: Middle Eastern, 0.033%; no homozygotes.

Submissions (2):

Ambry Genetics
Classification: Likely benign for Cardiovascular phenotype. Last evaluated: 2025-09-05. Review status: criteria provided, single submitter. Criteria: Ambry Variant Classification Scheme 2023. Collection method: clinical testing. Allele origin: germline.

Labcorp Genetics (formerly Invitae), Labcorp
Classification: Uncertain significance for Catecholaminergic polymorphic ventricular tachycardia 1. Last evaluated: 2023-10-13. Review status: criteria provided, single submitter. Criteria: Invitae Variant Classification Sherloc (09022015). Collection method: clinical testing. Allele origin: germline.
Comment: This sequence change replaces aspartic acid, which is acidic and polar, with glutamic acid, which is acidic and polar, at codon 396 of the CASQ2 protein (p.Asp396Glu). This variant is not present in population databases (gnomAD no frequency). This variant has not been reported in the literature in individuals affected with CASQ2-related conditions. ClinVar contains an entry for this variant (Variation ID: 940147). Experimental studies and prediction algorithms are not available or were not evaluated, and the functional significance of this variant is currently unknown. In summary, the available evidence is currently insufficient to determine the role of this variant in disease. Therefore, it has been classified as a Variant of Uncertain Significance.